The following is an entry in ClinVar:

ClinVar aggregate classification (germline): Benign. Review status: criteria provided, multiple submitters, no conflicts (2 of 4 stars). 11 submissions from 11 submitters: Benign (9). 2 of the submissions do not count toward it. Last evaluated 2026-02-04.

Conditions:
Congenital adrenal hyperplasia due to cytochrome P450 oxidoreductase deficiency. Also called: DISORDERED STEROIDOGENESIS DUE TO POR DEFICIENCY. Identifiers: Orphanet 95699, MedGen C1860042, MONDO:0013310, OMIM 613571.
Antley-Bixler syndrome with genital anomalies and disordered steroidogenesis (ABS1). Also called: POR Deficiency. Identifiers: Orphanet 63269, MedGen C3150099, MONDO:0008726, OMIM 201750.
21-Hydroxylase-Deficient Congenital Adrenal Hyperplasia. Also called: ADRENAL HYPERPLASIA, CONGENITAL, DUE TO 21-HYDROXYLASE DEFICIENCY; ADRENAL HYPERPLASIA III. Identifiers: MedGen C2936858, OMIM 201910.

Allele frequency attached by ClinVar (database versions not stated): ESP Exome Variant Server 0.85271; ExAC 0.90909; gnomAD exomes 0.91137 and 0.94480; 1000 Genomes Project 30x 0.80497; 1000 Genomes Project 0.81190; TOPMed 0.83216; gnomAD 0.84641 and 0.85135.
gnomAD v4.1: 1,507,531 of 1,611,828 alleles (94%); highest among the groups gnomAD compares: Non-Finnish European, 96%; 710,378 homozygotes.

Submissions (12):

Labcorp Genetics (formerly Invitae), Labcorp
Classification: Benign for Congenital adrenal hyperplasia due to cytochrome P450 oxidoreductase deficiency. Last evaluated: 2026-02-04. Review status: criteria provided, single submitter. Criteria: Invitae Variant Classification Sherloc (09022015). Collection method: clinical testing. Allele origin: germline.

Women's Health and Genetics/Laboratory Corporation of America, LabCorp
Classification: Benign. Last evaluated: 2025-02-08. Review status: criteria provided, single submitter. Criteria: LabCorp Variant Classification Summary - May 2015. Collection method: clinical testing. Allele origin: germline.

Blueprint Genetics
Classification: Benign. Last evaluated: 2024-11-27. Review status: criteria provided, single submitter. Criteria: ACMG Guidelines, 2015. Collection method: clinical testing. Allele origin: germline.

Genome-Nilou Lab
Classification: Benign for Antley-Bixler syndrome with genital anomalies and disordered steroidogenesis. Last evaluated: 2021-10-25. Review status: criteria provided, single submitter. Criteria: ACMG Guidelines, 2015. Collection method: clinical testing. Allele origin: germline. Affected: no.

Illumina Laboratory Services, Illumina
Classification: Benign for Congenital adrenal hyperplasia due to cytochrome P450 oxidoreductase deficiency. Last evaluated: 2018-01-13. Review status: criteria provided, single submitter. Criteria: ICSL Variant Classification Criteria 13 December 2019. Collection method: clinical testing. Allele origin: germline.
Comment: This variant was observed in the ICSL laboratory as part of a predisposition screen in an ostensibly healthy population. It had not been previously curated by ICSL or reported in the Human Gene Mutation Database (HGMD: prior to June 1st, 2018), and was therefore a candidate for classification through an automated scoring system. Utilizing variant allele frequency, disease prevalence and penetrance estimates, and inheritance mode, an automated score was calculated to assess if this variant is too frequent to cause the disease. Based on the score and internal cut-off values, a variant classified as benign is not then subjected to further curation. The score for this variant resulted in a classification of benign for this disease.

GeneDx
Classification: Benign. Last evaluated: 2014-03-21. Review status: criteria provided, single submitter. Criteria: GeneDx Variant Classification (06012015). Collection method: clinical testing. Allele origin: germline. Affected: yes.
Comment: This variant is considered likely benign or benign based on one or more of the following criteria: it is a conservative change, it occurs at a poorly conserved position in the protein, it is predicted to be benign by multiple in silico algorithms, and/or has population frequency not consistent with disease.

Breakthrough Genomics
Classification: Benign. Review status: criteria provided, single submitter. Criteria: ACMG Guidelines, 2015. Collection method: not provided. Allele origin: germline. Inheritance: Autosomal recessive inheritance. Affected: yes.

Pecori Giraldi Lab, University of Milan
Classification: Benign for 21-Hydroxylase-Deficient Congenital Adrenal Hyperplasia. Review status: criteria provided, single submitter. Criteria: ACMG Guidelines, 2015. Collection method: case-control. Allele origin: germline. Affected: yes and no.
Comment: This variant is intronic

PreventionGenetics, part of Exact Sciences
Classification: Benign. Review status: criteria provided, single submitter. Criteria: ACMG Guidelines, 2015. Collection method: clinical testing. Allele origin: germline.

Diagnostic Laboratory, Department of Genetics, University Medical Center Groningen
Classification: Benign. Review status: no assertion criteria provided. Collection method: clinical testing. Allele origin: germline. Affected: yes. Study: VKGL Data-share Consensus. Not counted in ClinVar's aggregate classification.

Dr. Peter K. Rogan Lab, Western University
No classification provided (evidence only). Condition: Hepatocellular carcinoma. Review status: no classification provided. Collection method: in vitro. Allele origin: not applicable. Functional consequence: retained intron. Not counted in ClinVar's aggregate classification.

Joint Genome Diagnostic Labs from Nijmegen and Maastricht, Radboudumc and MUMC+
Classification: Benign. Review status: no assertion criteria provided. Collection method: clinical testing. Allele origin: germline. Affected: yes. Study: VKGL Data-share Consensus. Not counted in ClinVar's aggregate classification.

Literature cited by the submitters: PubMed 33666875 (cited by Pecori Giraldi Lab, University of Milan); PubMed 27068427 (cited by Pecori Giraldi Lab, University of Milan); PubMed 21070833 (cited by Pecori Giraldi Lab, University of Milan); PubMed 24847272 (cited by Pecori Giraldi Lab, University of Milan).

NM_001395413.1(POR):c.1058-13C>G

Gene: POR (cytochrome p450 oxidoreductase; plus strand). Cytogenetic location: 7q11.23.
Variant type: single nucleotide variant.
Coding change: c.1058-13C>G on transcript NM_001395413.1 (MANE Select); 13 bases into the intron before coding-DNA position 1058, C replaced by G.
Molecular consequence: intron variant.
Genome position (GRCh38, 1-based): chr7:75,984,764, C>G. VCF-style: chr7-75984764-C-G. GRCh37 (hg19) VCF-style: chr7-75614082-C-G.
Other names: c.1067-13C>G (NM_000941.3); c.1058-13C>G (NM_001382662.3, NM_001382659.3, NM_001367562.3 and 2 more transcripts); c.1112-13C>G (NM_001382655.3).
Identifiers: ClinVar variation 138789 (VCV000138789.24), dbSNP rs4732516, ClinGen allele CA292897.